The following is an entry in ClinVar:

NM_004606.5(TAF1):c.4948T>C (p.Leu1650=)

Gene: TAF1 (TATA-box binding protein associated factor 1; plus strand). Cytogenetic location: Xq13.1.
Variant type: single nucleotide variant.
Coding change: c.4948T>C on transcript NM_004606.5 (MANE Select); coding-DNA position 4948, T replaced by C.
Protein change: p.Leu1650=; no amino-acid change (leucine 1650 retained).
Molecular consequence: synonymous variant. On other transcripts: non-coding transcript variant (9).
Genome position (GRCh38, 1-based): chrX:71,458,250, T>C. VCF-style: chrX-71458250-T-C. GRCh37 (hg19) VCF-style: chrX-70678100-T-C.
Other names: c.5014T>C (NM_001286074.1); c.4954T>C, p.Leu1652= (NM_001286074.2); c.4885T>C, p.Leu1629= (NM_138923.4).
Identifiers: ClinVar variation 500605 (VCV000500605.29), dbSNP rs779320845, ClinGen allele CA10447292.

ClinVar aggregate classification (germline): Conflicting classifications of pathogenicity. Review status: criteria provided, conflicting classifications (1 of 4 stars). 4 submissions from 4 submitters: Uncertain significance (1); Benign (1); Likely benign (1). 1 of the submissions does not count toward it. Last evaluated 2026-02-03.

Conditions:
TAF1-related disorder. Also called: TAF1-related condition.

Allele frequency attached by ClinVar (database versions not stated): TOPMed 0.00002; ExAC 0.00003; gnomAD 0.00003; gnomAD exomes 0.00003.
gnomAD v4.1: 36 of 1,209,519 alleles (0.003%); highest among the groups gnomAD compares: Middle Eastern, 0.32%; 1 homozygote.

Submissions (4):

Labcorp Genetics (formerly Invitae), Labcorp
Classification: Benign. Last evaluated: 2026-02-03. Review status: criteria provided, single submitter. Criteria: Invitae Variant Classification Sherloc (09022015). Collection method: clinical testing. Allele origin: germline.

CeGaT Center for Human Genetics Tuebingen
Classification: Likely benign. Last evaluated: 2024-01-01. Review status: criteria provided, single submitter. Criteria: CeGaT Center For Human Genetics Tuebingen Variant Classification Criteria Version 2. Collection method: clinical testing. Allele origin: germline. Affected: yes. Observed: 1 variant allele.
Comment: TAF1: BP4, BP7, BS2

Eurofins Ntd Llc (ga)
Classification: Uncertain significance. Last evaluated: 2017-03-31. Review status: criteria provided, single submitter. Criteria: EGL Classification Definitions 2015. Collection method: clinical testing. Allele origin: germline. Observed: 1 variant allele, 1 hemizygote.

PreventionGenetics, part of Exact Sciences
Classification: Likely benign for TAF1-related condition. Last evaluated: 2019-04-26. Review status: no assertion criteria provided. Collection method: clinical testing. Allele origin: germline. Not counted in ClinVar's aggregate classification.
Comment: This variant is classified as likely benign based on ACMG/AMP sequence variant interpretation guidelines (Richards et al. 2015 PMID: 25741868, with internal and published modifications).